The following is an entry in ClinVar:

NM_020738.4(KIDINS220):c.4349T>C (p.Phe1450Ser)

Gene: KIDINS220 (kinase D interacting substrate 220; minus strand). Cytogenetic location: 2p25.1.
Variant type: single nucleotide variant.
Coding change: c.4349T>C on transcript NM_020738.4 (MANE Select); coding-DNA position 4349, T replaced by C.
Protein change: p.Phe1450Ser; replaces phenylalanine 1450 with serine.
Molecular consequence: missense variant. On other transcripts: intron variant (6).
Genome position (GRCh38, 1-based): chr2:8,731,687, A>G on the plus strand (T>C on the coding strand, the complement: KIDINS220 is on the minus strand). VCF-style: chr2-8731687-A-G. GRCh37 (hg19) VCF-style: chr2-8871817-A-G.
Other names: c.4352T>C, p.Phe1451Ser (NM_001348729.2); c.4295T>C, p.Phe1432Ser (NM_001348731.2); c.4292T>C, p.Phe1431Ser (NM_001348732.2); c.4181T>C, p.Phe1394Ser (NM_001348734.2); c.4178T>C, p.Phe1393Ser (NM_001348735.2); c.4052T>C, p.Phe1351Ser (NM_001348736.2); c.3882+1757T>C (NM_001348741.2, NM_001348742.2, NM_001348743.2); c.3996+1757T>C (NM_001348738.2); and 1 more; short protein forms F1351S, F1393S, F1394S, F1431S, F1432S, F1450S, F1451S.
Identifiers: ClinVar variation 2628711 (VCV002628711.2), dbSNP rs753200079, ClinGen allele CA42327828.
Genomic context (GRCh38, chr2:8,731,687, plus strand): 5'-GCATCGTTGGTGGAAACCCCTGATGATGAATAATCGATAACATCTCCCCTCTTCATTAGA[A>G]AGGACTTCCTCCCATCATCGGGCTTTGGTTCACTATCCTTCCCCTTTTCTTGCTCTAGGT-3'
Protein context (NP_065789.1, residues 1440-1460): EPKPDDGRKS[Phe1450Ser]LMKRGDVIDY

ClinVar aggregate classification (germline): Uncertain significance (1 of 4 stars; one submission).

Conditions:
KIDINS220-related disorder. Also called: KIDINS220-related condition.

Allele frequency attached by ClinVar (database versions not stated): gnomAD 0.00003; TOPMed 0.00003.
gnomAD v4.1: 27 of 1,614,086 alleles (0.0017%); highest among the groups gnomAD compares: Non-Finnish European, 0.0023%; no homozygotes.

Submission:

PreventionGenetics, part of Exact Sciences
Classification: Uncertain significance for KIDINS220-related condition. Last evaluated: 2026-02-16. Review status: criteria provided, single submitter. Criteria: ACMG Guidelines, 2015. Collection method: clinical testing. Allele origin: germline.
Comment: The KIDINS220 c.4349T>C variant is predicted to result in the amino acid substitution p.Phe1450Ser. To our knowledge, this variant has not been reported in the literature. This variant is reported in 0.0041% of alleles in individuals of African descent in gnomAD. At this time, the clinical significance of this variant is uncertain due to the absence of conclusive functional and genetic evidence.